The following is an entry in ClinVar:

ClinVar aggregate classification (germline): Benign/Likely benign. Review status: criteria provided, multiple submitters, no conflicts (2 of 4 stars). 3 submissions from 3 submitters: Benign (1); Likely benign (1). 1 of the submissions does not count toward it. Last evaluated 2025-12-13.

Conditions:
RNF125-related disorder. Also called: RNF125-related condition.
Tenorio syndrome (TNORS). Also called: OVERGROWTH, MACROCEPHALY, AND INTELLECTUAL DISABILITY SYNDROME. Identifiers: MedGen C4015710, MONDO:0014553, OMIM 616260.

Allele frequency attached by ClinVar (database versions not stated): gnomAD exomes 0.00005 and 0.00021; ExAC 0.00035; 1000 Genomes Project 30x 0.00078; gnomAD 0.00079; TOPMed 0.00084; 1000 Genomes Project 0.00100; ESP Exome Variant Server 0.00138.
gnomAD v4.1: 203 of 1,605,756 alleles (0.013%); highest among the groups gnomAD compares: African/African-American, 0.21%; no homozygotes.

Submissions (3):

Labcorp Genetics (formerly Invitae), Labcorp
Classification: Likely benign for Tenorio syndrome. Last evaluated: 2025-12-13. Review status: criteria provided, single submitter. Criteria: Invitae Variant Classification Sherloc (09022015). Collection method: clinical testing. Allele origin: germline.

CeGaT Center for Human Genetics Tuebingen
Classification: Benign. Last evaluated: 2025-10-01. Review status: criteria provided, single submitter. Criteria: CeGaT Center For Human Genetics Tuebingen Variant Classification Criteria Version 2. Collection method: clinical testing. Allele origin: germline. Affected: yes. Observed: 3 variant alleles.
Comment: RNF125: BP4, BS1, BS2

PreventionGenetics, part of Exact Sciences
Classification: Likely benign for RNF125-related condition. Last evaluated: 2022-11-07. Review status: no assertion criteria provided. Collection method: clinical testing. Allele origin: germline. Not counted in ClinVar's aggregate classification.
Comment: This variant is classified as likely benign based on ACMG/AMP sequence variant interpretation guidelines (Richards et al. 2015 PMID: 25741868, with internal and published modifications).

NM_017831.4(RNF125):c.253C>T (p.Pro85Ser)

Gene: RNF125 (ring finger protein 125; plus strand). Cytogenetic location: 18q12.1.
Variant type: single nucleotide variant.
Coding change: c.253C>T on transcript NM_017831.4 (MANE Select); coding-DNA position 253, C replaced by T.
Protein change: p.Pro85Ser; replaces proline 85 with serine.
Molecular consequence: missense variant.
Genome position (GRCh38, 1-based): chr18:32,037,204, C>T. VCF-style: chr18-32037204-C-T. GRCh37 (hg19) VCF-style: chr18-29617167-C-T.
Other names: short protein forms P85S.
Identifiers: ClinVar variation 771560 (VCV000771560.18), dbSNP rs140181211, ClinGen allele CA8930438.